The following is an entry in ClinVar:

NM_005359.6(SMAD4):c.445C>T (p.Gln149Ter)

Gene: SMAD4 (SMAD family member 4; plus strand). Cytogenetic location: 18q21.2.
Variant type: single nucleotide variant.
Coding change: c.445C>T on transcript NM_005359.6 (MANE Select); coding-DNA position 445, C replaced by T.
Protein change: p.Gln149Ter; replaces glutamine 149 with a stop codon.
Molecular consequence: nonsense. On other transcripts: non-coding transcript variant (2).
Genome position (GRCh38, 1-based): chr18:51,049,315, C>T. VCF-style: chr18-51049315-C-T. GRCh37 (hg19) VCF-style: chr18-48575685-C-T.
Other names: c.445C>T, p.Gln149Ter (NM_001407041.1, NM_001407042.1, NM_001407043.1); short protein forms Q149*.
Identifiers: ClinVar variation 4531696 (VCV004531696.1).

ClinVar aggregate classification (germline): Pathogenic (1 of 4 stars; one submission).

Conditions:
Juvenile polyposis/hereditary hemorrhagic telangiectasia syndrome (JPHT). Also called: JP/HHT SYNDROME; JUVENILE POLYPOSIS WITH HEREDITARY HEMORRHAGIC TELANGIECTASIA; POLYPOSIS, GENERALIZED JUVENILE, WITH PULMONARY ARTERIOVENOUS MALFORMATION; TELANGIECTASIA, HEREDITARY HEMORRHAGIC, WITH JUVENILE POLYPOSIS COLI; Juvenile Polyposis Syndrome / Hereditary Hemorrhagic Telangiectasia (JPS/HHT). Identifiers: Orphanet 2929, MedGen C1832942, MONDO:0008278, OMIM 175050.

Submission:

Victorian Clinical Genetics Services, Murdoch Childrens Research Institute
Classification: Pathogenic for Juvenile polyposis/hereditary hemorrhagic telangiectasia syndrome. Last evaluated: 2024-10-15. Review status: criteria provided, single submitter. Criteria: ACMG Guidelines, 2015. Collection method: clinical testing. Allele origin: germline. Affected: yes.
Comment: This variant is classified as Pathogenic. Evidence in support of pathogenic classification: Variant is predicted to cause nonsense-mediated decay (NMD) and loss of protein (premature termination codon is located at least 54 nucleotides upstream of the final exon-exon junction); Variant is absent from gnomAD (v2, v3 and v4); Other NMD-predicted variant(s) comparable to the one identified in this case have very strong previous evidence for pathogenicity (DECIPHER). Additional information: This variant is heterozygous; This gene is associated with autosomal dominant disease; This variant has no previous evidence of pathogenicity; No published segregation evidence has been identified for this variant; No published functional evidence has been identified for this variant; Loss of function is a known mechanism of disease, whilst dominant negative and gain of function are likely mechanisms of disease in this gene. Premature termination variants resulting in a loss of function are associated with juvenile intestinal polyposis (MIM#174900) and juvenile polyposis/hereditary hemorrhagic telangiectasia syndrome (MIM#175050) (OMIM). Missense variants are associated with Myhre syndrome (MIM#139210). Functional analysis on missense variants shows both gain of function and dominant negative effects at the same residue (PMIDs: 22158539, 36194927); Inheritance information for this variant is not currently available in this individual.

Literature cited by the submitters: PubMed 36194927; PubMed 22158539.